The following is an entry in ClinVar:

ClinVar aggregate classification (germline): Pathogenic (0 of 4 stars; one submission).

Conditions:
Wolfram syndrome 1 (WFS1). Identifiers: Orphanet 3463, MedGen C4551693, MONDO:0009101, OMIM 222300.

Submission:

OMIM
Classification: Pathogenic for WOLFRAM SYNDROME 1. Last evaluated: 2008-12-15. Review status: no assertion criteria provided. Collection method: literature only. Allele origin: germline.

Literature cited by the submitters: PubMed 18806274.

NM_006005.3(WFS1):c.[2119G>T;2649del]

Variant type: Haplotype.
Identifiers: ClinVar variation 30552 (VCV000030552.3).